The following is an entry in ClinVar:

NM_006031.6(PCNT):c.1457-8T>C

Gene: PCNT (pericentrin; plus strand). Cytogenetic location: 21q22.3.
Variant type: single nucleotide variant.
Coding change: c.1457-8T>C on transcript NM_006031.6 (MANE Select); 8 bases into the intron before coding-DNA position 1457, T replaced by C.
Molecular consequence: intron variant.
Genome position (GRCh38, 1-based): chr21:46,353,096, T>C. VCF-style: chr21-46353096-T-C. GRCh37 (hg19) VCF-style: chr21-47773010-T-C.
Other names: c.1457-8T>C (NM_006031.5); c.1103-8T>C (NM_001315529.2).
Identifiers: ClinVar variation 2907586 (VCV002907586.5), dbSNP rs756251830, ClinGen allele CA10078640.

ClinVar aggregate classification (germline): Likely benign. Review status: criteria provided, single submitter (1 of 4 stars). 2 submissions from 2 submitters: Likely benign (1). 1 of the submissions does not count toward it. Last evaluated 2025-09-05.

Conditions:
PCNT-related disorder. Also called: PCNT-related condition.

Allele frequency attached by ClinVar (database versions not stated): ExAC 0.00003; TOPMed 0.00001.
gnomAD v4.1: 15 of 1,611,506 alleles (0.00093%); highest among the groups gnomAD compares: South Asian, 0.0066%; no homozygotes.

Submissions (2):

Labcorp Genetics (formerly Invitae), Labcorp
Classification: Likely benign. Last evaluated: 2025-09-05. Review status: criteria provided, single submitter. Criteria: Invitae Variant Classification Sherloc (09022015). Collection method: clinical testing. Allele origin: germline.

PreventionGenetics, part of Exact Sciences
Classification: Likely benign for PCNT-related condition. Last evaluated: 2023-06-16. Review status: no assertion criteria provided. Collection method: clinical testing. Allele origin: germline. Not counted in ClinVar's aggregate classification.
Comment: This variant is classified as likely benign based on ACMG/AMP sequence variant interpretation guidelines (Richards et al. 2015 PMID: 25741868, with internal and published modifications).